The following is an entry in ClinVar:

ClinVar aggregate classification (germline): Uncertain significance (1 of 4 stars; one submission).

Conditions:
Hereditary cancer-predisposing syndrome. Also called: Tumor predisposition; Neoplastic Syndromes, Hereditary; Hereditary Cancer Syndrome; Hereditary neoplastic syndrome. Identifiers: Orphanet 140162, MedGen C0027672, MeSH D009386, MONDO:0015356.

Allele frequency attached by ClinVar (database versions not stated): gnomAD 0.00001.
gnomAD v4.1: 1 of 1,614,014 alleles (0.000062%); highest among the groups gnomAD compares: African/African-American, 0.0013%; no homozygotes.

Submission:

Ambry Genetics
Classification: Uncertain significance for Hereditary cancer-predisposing syndrome. Last evaluated: 2021-04-19. Review status: criteria provided, single submitter. Criteria: Ambry Variant Classification Scheme 2023. Collection method: clinical testing. Allele origin: germline.
Comment: The p.P1051S variant (also known as c.3151C>T), located in coding exon 14 of the MET gene, results from a C to T substitution at nucleotide position 3151. The proline at codon 1051 is replaced by serine, an amino acid with similar properties. This amino acid position is highly conserved in available vertebrate species. In addition, this alteration is predicted to be deleterious by in silico analysis. Since supporting evidence is limited at this time, the clinical significance of this alteration remains unclear.

NM_000245.4(MET):c.3097C>T (p.Pro1033Ser)

Gene: MET (MET proto-oncogene, receptor tyrosine kinase; plus strand). Cytogenetic location: 7q31.2.
Variant type: single nucleotide variant.
Coding change: c.3097C>T on transcript NM_000245.4 (MANE Select); coding-DNA position 3097, C replaced by T.
Protein change: p.Pro1033Ser; replaces proline 1033 with serine.
Molecular consequence: missense variant.
Genome position (GRCh38, 1-based): chr7:116,774,949, C>T. VCF-style: chr7-116774949-C-T. GRCh37 (hg19) VCF-style: chr7-116415003-C-T.
Other names: c.3151C>T, p.Pro1051Ser (NM_001127500.3); c.1807C>T, p.Pro603Ser (NM_001324402.2); short protein forms P1051S, P603S, P1033S.
Identifiers: ClinVar variation 1728198 (VCV001728198.2), dbSNP rs1294910019, ClinGen allele CA368988083.